The following is an entry in ClinVar:

ClinVar aggregate classification (germline): Uncertain significance (1 of 4 stars; one submission).

Conditions:
Hereditary cancer-predisposing syndrome. Also called: Tumor predisposition; Hereditary Cancer Syndrome; Hereditary neoplastic syndrome; Neoplastic Syndromes, Hereditary. Identifiers: Orphanet 140162, MedGen C0027672, MeSH D009386, MONDO:0015356.

Allele frequency attached by ClinVar (database versions not stated): gnomAD exomes below 0.00001.
gnomAD v4.1: 1 of 1,614,168 alleles (0.000062%); highest among the groups gnomAD compares: South Asian, 0.0011%; no homozygotes.

Submission:

Ambry Genetics
Classification: Uncertain significance for Hereditary cancer-predisposing syndrome. Last evaluated: 2025-06-25. Review status: criteria provided, single submitter. Criteria: Ambry Variant Classification Scheme 2023. Collection method: clinical testing. Allele origin: germline.
Comment: The p.K205Q variant (also known as c.613A>C), located in coding exon 4 of the PTCH1 gene, results from an A to C substitution at nucleotide position 613. The lysine at codon 205 is replaced by glutamine, an amino acid with similar properties. This amino acid position is highly conserved in available vertebrate species. In addition, this alteration is predicted to be deleterious by in silico analysis. Based on the available evidence, the clinical significance of this variant remains unclear.

NM_000264.5(PTCH1):c.613A>C (p.Lys205Gln)

Gene: PTCH1 (patched 1; minus strand). Cytogenetic location: 9q22.32.
Variant type: single nucleotide variant.
Coding change: c.613A>C on transcript NM_000264.5 (MANE Select); coding-DNA position 613, A replaced by C.
Protein change: p.Lys205Gln; replaces lysine 205 with glutamine.
Molecular consequence: missense variant. On other transcripts: non-coding transcript variant (1).
Genome position (GRCh38, 1-based): chr9:95,482,175, T>G on the plus strand (A>C on the coding strand, the complement: PTCH1 is on the minus strand). VCF-style: chr9-95482175-T-G. GRCh37 (hg19) VCF-style: chr9-98244457-T-G.
Other names: c.415A>C, p.Lys139Gln (NM_001083602.3, NM_001354919.2); c.610A>C, p.Lys204Gln (NM_001083603.3); c.160A>C, p.Lys54Gln (NM_001083604.3, NM_001083605.3, NM_001083606.3 and 1 more transcripts); c.613A>C, p.Lys205Gln (NM_001354918.2); short protein forms K205Q, K139Q, K204Q, K54Q.
Identifiers: ClinVar variation 486211 (VCV000486211.6), dbSNP rs1554700724, ClinGen allele CA374115101.
Genomic context (GRCh38, chr9:95,482,175, plus strand): 5'-CAACAAGAAGAAAATATACCTGATCCATGTAACCTGTTTCTGTGATAAGCTCTCCTGATT[T>G]GTAACACAAATGTTCCAATTTCCACTGCCTAATAAAATGAAAAGCAGAGACAAAAATTTC-3'
Protein context (NP_000255.2, residues 195-215): RQWKLEHLCY[Lys205Gln]SGELITETGY